The following is an entry in ClinVar:

ClinVar aggregate classification (germline): Likely pathogenic (1 of 4 stars; one submission).

Submission:

Labcorp Genetics (formerly Invitae), Labcorp
Classification: Likely pathogenic. Last evaluated: 2022-07-05. Review status: criteria provided, single submitter. Criteria: Invitae Variant Classification Sherloc (09022015). Collection method: clinical testing. Allele origin: germline.
Comment: This sequence change affects a donor splice site in intron 1 of the POC1B gene. It is expected to disrupt RNA splicing. Variants that disrupt the donor or acceptor splice site typically lead to a loss of protein function (PMID: 16199547), and loss-of-function variants in POC1B are known to be pathogenic (PMID: 25018096, 29220607). This variant is not present in population databases (gnomAD no frequency). This variant has not been reported in the literature in individuals affected with POC1B-related conditions. Algorithms developed to predict the effect of sequence changes on RNA splicing suggest that this variant may disrupt the consensus splice site. In summary, the currently available evidence indicates that the variant is pathogenic, but additional data are needed to prove that conclusively. Therefore, this variant has been classified as Likely Pathogenic.

Literature cited by the submitters: PubMed 16199547; PubMed 25018096; PubMed 29220607.

NM_172240.3(POC1B):c.15+2T>A

Genes: POC1B (POC1 centriolar protein B; minus strand), POC1B-AS1 (POC1B antisense RNA 1; plus strand), POC1B-DUSP6 (POC1B-DUSP6 readthrough; minus strand), POC1B-GALNT4 (POC1B-GALNT4 readthrough; minus strand), LOC130008357 (ATAC-STARR-seq lymphoblastoid silent region 4694; plus strand). Cytogenetic location: 12q21.33.
Variant type: single nucleotide variant.
Coding change: c.15+2T>A on transcript NM_172240.3 (MANE Select); the canonical splice donor site of the intron after coding-DNA position 15, T replaced by A.
Molecular consequence: splice donor variant.
Genome position (GRCh38, 1-based): chr12:89,525,879, A>T on the plus strand (T>A on the coding strand, the complement: POC1B is on the minus strand). VCF-style: chr12-89525879-A-T. GRCh37 (hg19) VCF-style: chr12-89919656-A-T.
Other names: c.275+2T>A (NM_001199782.1); c.15+2T>A (NM_001199781.2).
Identifiers: ClinVar variation 2083189 (VCV002083189.1), dbSNP rs1017800347, ClinGen allele CA386008271.